The following is an entry in ClinVar:

ClinVar aggregate classification (germline): Uncertain significance (1 of 4 stars; one submission).

Conditions:
Methylmalonic acidemia due to transcobalamin receptor defect (MATR). Also called: METHYLMALONIC ACIDEMIA, TCblR TYPE; METHYLMALONIC ACIDURIA, TRANSIENT, DUE TO TRANSCOBALAMIN RECEPTOR DEFECT. Identifiers: Orphanet 280183, MedGen C4749905, MONDO:0013341, OMIM 613646.

Submission:

Labcorp Genetics (formerly Invitae), Labcorp
Classification: Uncertain significance for Methylmalonic acidemia due to transcobalamin receptor defect. Last evaluated: 2024-10-19. Review status: criteria provided, single submitter. Criteria: Invitae Variant Classification Sherloc (09022015). Collection method: clinical testing. Allele origin: germline.
Comment: This sequence change replaces glutamine, which is neutral and polar, with glutamic acid, which is acidic and polar, at codon 45 of the CD320 protein (p.Gln45Glu). This variant is not present in population databases (gnomAD no frequency). This variant has not been reported in the literature in individuals affected with CD320-related conditions. An algorithm developed to predict the effect of missense changes on protein structure and function (PolyPhen-2) suggests that this variant is likely to be tolerated. In summary, the available evidence is currently insufficient to determine the role of this variant in disease. Therefore, it has been classified as a Variant of Uncertain Significance.

NM_016579.4(CD320):c.133C>G (p.Gln45Glu)

Gene: CD320 (CD320 molecule; minus strand). Cytogenetic location: 19p13.2.
Variant type: single nucleotide variant.
Coding change: c.133C>G on transcript NM_016579.4 (MANE Select); coding-DNA position 133, C replaced by G.
Protein change: p.Gln45Glu; replaces glutamine 45 with glutamic acid.
Molecular consequence: missense variant.
Genome position (GRCh38, 1-based): chr19:8,308,158, G>C on the plus strand (C>G on the coding strand, the complement: CD320 is on the minus strand). VCF-style: chr19-8308158-G-C. GRCh37 (hg19) VCF-style: chr19-8373042-G-C.
Other names: c.133C>G, p.Gln45Glu (NM_001165895.2); short protein forms Q45E.
Identifiers: ClinVar variation 3694786 (VCV003694786.2).